The following is an entry in ClinVar:

NM_001367624.2(ZNF469):c.4755G>A (p.Pro1585=)

Gene: ZNF469 (zinc finger protein 469; plus strand). Cytogenetic location: 16q24.2.
Variant type: single nucleotide variant.
Coding change: c.4755G>A on transcript NM_001367624.2 (MANE Select); coding-DNA position 4755, G replaced by A.
Protein change: p.Pro1585=; no amino-acid change (proline 1585 retained).
Molecular consequence: synonymous variant.
Genome position (GRCh38, 1-based): chr16:88,432,225, G>A. VCF-style: chr16-88432225-G-A. GRCh37 (hg19) VCF-style: chr16-88498633-G-A.
Other names: NM_001127464.1:c.4671G>A.
Identifiers: ClinVar variation 514102 (VCV000514102.8), dbSNP rs370447132, ClinGen allele CA8225001.
Genomic context (GRCh38, chr16:88,432,225, plus strand): 5'-GAAATTGGTCACCGAATTAGAAAGTCAGCTGCAAAGGAGCAAAGACACACGTGGGGCCCC[G>A]AGAGAGCTTGCAGAAGCTGAGTCGGTGGGCAGGGTGGAGCTCGGCACAGGCACAGAGCCA-3'
Protein context (NP_001354553.1, residues 1575-1595): LQRSKDTRGA[Pro1585=]RELAEAESVG

ClinVar aggregate classification (germline): Likely benign. Review status: criteria provided, multiple submitters, no conflicts (2 of 4 stars). 3 submissions from 3 submitters: Likely benign (3). Last evaluated 2026-01-19.

Conditions:
Cardiovascular phenotype. Identifiers: MedGen CN230736.

Allele frequency attached by ClinVar (database versions not stated): gnomAD 0.00002; TOPMed 0.00004; 1000 Genomes Project 30x 0.00016; 1000 Genomes Project 0.00020; ESP Exome Variant Server 0.00022.
gnomAD v4.1: 62 of 1,549,688 alleles (0.004%); highest among the groups gnomAD compares: East Asian, 0.044%; no homozygotes.

Submissions (3):

Labcorp Genetics (formerly Invitae), Labcorp
Classification: Likely benign. Last evaluated: 2026-01-19. Review status: criteria provided, single submitter. Criteria: Invitae Variant Classification Sherloc (09022015). Collection method: clinical testing. Allele origin: germline.

Ambry Genetics
Classification: Likely benign for Cardiovascular phenotype. Last evaluated: 2019-11-11. Review status: criteria provided, single submitter. Criteria: Ambry Variant Classification Scheme 2023. Collection method: clinical testing. Allele origin: germline.

GeneDx
Classification: Likely benign. Last evaluated: 2017-12-14. Review status: criteria provided, single submitter. Criteria: GeneDx Variant Classification (06012015). Collection method: clinical testing. Allele origin: germline. Affected: yes.
Comment: This variant is considered likely benign or benign based on one or more of the following criteria: it is a conservative change, it occurs at a poorly conserved position in the protein, it is predicted to be benign by multiple in silico algorithms, and/or has population frequency not consistent with disease.